The following is an entry in ClinVar:

NM_001164508.2(NEB):c.5264A>T (p.Lys1755Met)

Gene: NEB (nebulin; minus strand). Cytogenetic location: 2q23.3.
Variant type: single nucleotide variant.
Coding change: c.5264A>T on transcript NM_001164508.2 (MANE Select); coding-DNA position 5264, A replaced by T.
Protein change: p.Lys1755Met; replaces lysine 1755 with methionine.
Molecular consequence: missense variant.
Genome position (GRCh38, 1-based): chr2:151,664,838, T>A on the plus strand (A>T on the coding strand, the complement: NEB is on the minus strand). VCF-style: chr2-151664838-T-A. GRCh37 (hg19) VCF-style: chr2-152521352-T-A.
Other names: c.5264A>T, p.Lys1755Met (NM_001164507.2, NM_001271208.2, NM_004543.5); short protein forms K1755M.
Identifiers: ClinVar variation 1719476 (VCV001719476.4), dbSNP rs2552257499, ClinGen allele CA348811717.
Genomic context (GRCh38, chr2:151,664,838, plus strand): 5'-TTTACTCTGGAGAGTAAAATATCCGGTGTGTCAGGCATGACATGAATGGTGGTCTTGTCC[T>A]TGTTCCATTTTTCAGTGTAGAGCCTCTGCAATGAGAAAGTCAGGTGCATGATTTTACAGC-3'
Protein context (NP_001157980.2, residues 1745-1765): DKRLYTEKWN[Lys1755Met]DKTTIHVMPD

ClinVar aggregate classification (germline): Uncertain significance. Review status: criteria provided, multiple submitters, no conflicts (2 of 4 stars). 2 submissions from 2 submitters: Uncertain significance (2). Last evaluated 2026-09-01.

Conditions:
Nemaline myopathy 2 (NEM2). Also called: Nemaline myopathy 2, autosomal recessive. Identifiers: MedGen C1850569, MONDO:0009725, OMIM 256030.

Submissions (2):

CeGaT Center for Human Genetics Tuebingen
Classification: Uncertain significance. Last evaluated: 2026-09-01. Review status: criteria provided, single submitter. Criteria: CeGaT Center For Human Genetics Tuebingen Variant Classification Criteria Version 2. Collection method: clinical testing. Allele origin: germline. Affected: yes. Observed: 1 variant allele.
Comment: NEB: PM2, BP4

Labcorp Genetics (formerly Invitae), Labcorp
Classification: Uncertain significance for Nemaline myopathy 2. Last evaluated: 2022-09-15. Review status: criteria provided, single submitter. Criteria: Invitae Variant Classification Sherloc (09022015). Collection method: clinical testing. Allele origin: germline.
Comment: This sequence change replaces lysine, which is basic and polar, with methionine, which is neutral and non-polar, at codon 1755 of the NEB protein (p.Lys1755Met). This variant is not present in population databases (gnomAD no frequency). This variant has not been reported in the literature in individuals affected with NEB-related conditions. Algorithms developed to predict the effect of missense changes on protein structure and function are either unavailable or do not agree on the potential impact of this missense change (SIFT: "Deleterious"; PolyPhen-2: "Not Available"; Align-GVGD: "Class C0"). In summary, the available evidence is currently insufficient to determine the role of this variant in disease. Therefore, it has been classified as a Variant of Uncertain Significance.